The following is an entry in ClinVar:

ClinVar aggregate classification (germline): Uncertain significance. Review status: criteria provided, single submitter (1 of 4 stars). 2 submissions from 2 submitters: Uncertain significance (1). 1 of the submissions does not count toward it. Last evaluated 2021-09-20.

Conditions:
Hereditary cancer-predisposing syndrome. Also called: Tumor predisposition; Neoplastic Syndromes, Hereditary; Hereditary Cancer Syndrome; Hereditary neoplastic syndrome. Identifiers: Orphanet 140162, MedGen C0027672, MeSH D009386, MONDO:0015356.
Ataxia-telangiectasia-like disorder 1 (ATLD1). Identifiers: Orphanet 251347, MedGen C4012790, MONDO:0024557, OMIM 604391.

Submissions (2):

Ambry Genetics
Classification: Uncertain significance for Hereditary cancer-predisposing syndrome. Last evaluated: 2021-09-20. Review status: criteria provided, single submitter. Criteria: Ambry Variant Classification Scheme 2023. Collection method: clinical testing. Allele origin: germline.
Comment: The p.V389E variant (also known as c.1166T>A), located in coding exon 10 of the MRE11A gene, results from a T to A substitution at nucleotide position 1166. The valine at codon 389 is replaced by glutamic acid, an amino acid with dissimilar properties. This amino acid position is conserved. In addition, this alteration is predicted to be deleterious by in silico analysis. Since supporting evidence is limited at this time, the clinical significance of this alteration remains unclear.

Biochemical Molecular Genetic Laboratory, King Abdulaziz Medical City
Classification: Uncertain significance for Ataxia-telangiectasia-like disorder 1. Last evaluated: 2019-09-26. Review status: no assertion criteria provided. Collection method: clinical testing. Allele origin: germline. Affected: yes. Not counted in ClinVar's aggregate classification.

NM_005591.4(MRE11):c.1166T>A (p.Val389Glu)

Gene: MRE11 (MRE11 double strand break repair nuclease; minus strand). Cytogenetic location: 11q21.
Variant type: single nucleotide variant.
Coding change: c.1166T>A on transcript NM_005591.4 (MANE Select); coding-DNA position 1166, T replaced by A.
Protein change: p.Val389Glu; replaces valine 389 with glutamic acid.
Molecular consequence: missense variant.
Genome position (GRCh38, 1-based): chr11:94,464,172, A>T on the plus strand (T>A on the coding strand, the complement: MRE11 is on the minus strand). VCF-style: chr11-94464172-A-T. GRCh37 (hg19) VCF-style: chr11-94197338-A-T.
Other names: c.1166T>A, p.Val389Glu (NM_001330347.2, NM_005590.4); short protein forms V389E.
Identifiers: ClinVar variation 800995 (VCV000800995.3), dbSNP rs1591680946, ClinGen allele CA382372854.
Genomic context (GRCh38, chr11:94,464,172, plus strand): 5'-CCTGTTTTTTCCTTTTGTTCTCTATGCCTGAAAAAATGGATAATGTCTTTTGGATTAGCT[A>T]CCCGATCCACAAATTTCTGGCTAAAGCGAAGAACACTGAAAGGTTCAAAACCTCCACTAT-3'
Protein context (NP_005582.1, residues 379-399): LRFSQKFVDR[Val389Glu]ANPKDIIHFF